The following is an entry in ClinVar:

ClinVar aggregate classification (germline): Uncertain significance (1 of 4 stars; one submission).

Allele frequency attached by ClinVar (database versions not stated): gnomAD 0.00001; ExAC 0.00002; TOPMed 0.00002.
gnomAD v4.1: 37 of 1,613,898 alleles (0.0023%); highest among the groups gnomAD compares: East Asian, 0.016%; no homozygotes.

Submission:

Labcorp Genetics (formerly Invitae), Labcorp
Classification: Uncertain significance. Last evaluated: 2025-11-03. Review status: criteria provided, single submitter. Criteria: Invitae Variant Classification Sherloc (09022015). Collection method: clinical testing. Allele origin: germline.
Comment: This sequence change falls in intron 12 of the VPS13D gene. It does not directly change the encoded amino acid sequence of the VPS13D protein. It affects a nucleotide within the consensus splice site. This variant is present in population databases (rs769745565, gnomAD 0.01%). This variant has not been reported in the literature in individuals affected with VPS13D-related conditions. ClinVar contains an entry for this variant (Variation ID: 2062585). Variants that disrupt the consensus splice site are a relatively common cause of aberrant splicing (PMID: 17576681, 9536098). Algorithms developed to predict the effect of sequence changes on RNA splicing suggest that this variant is not likely to affect RNA splicing. In summary, the available evidence is currently insufficient to determine the role of this variant in disease. Therefore, it has been classified as a Variant of Uncertain Significance.

Literature cited by the submitters: PubMed 17576681; PubMed 9536098.

NM_015378.4(VPS13D):c.1414+4C>T

Gene: VPS13D (vacuolar protein sorting 13 homolog D; plus strand). Cytogenetic location: 1p36.22.
Variant type: single nucleotide variant.
Coding change: c.1414+4C>T on transcript NM_015378.4 (MANE Select); 4 bases into the intron after coding-DNA position 1414, C replaced by T.
Molecular consequence: intron variant.
Genome position (GRCh38, 1-based): chr1:12,261,153, C>T. VCF-style: chr1-12261153-C-T. GRCh37 (hg19) VCF-style: chr1-12321210-C-T.
Other names: c.1414+4C>T (NM_018156.4).
Identifiers: ClinVar variation 2062585 (VCV002062585.4), dbSNP rs769745565, ClinGen allele CA601504.